The following is an entry in ClinVar:

NM_017780.4(CHD7):c.6237G>T (p.Lys2079Asn)

Gene: CHD7 (chromodomain helicase DNA binding protein 7; plus strand). Cytogenetic location: 8q12.2.
Variant type: single nucleotide variant.
Coding change: c.6237G>T on transcript NM_017780.4 (MANE Select); coding-DNA position 6237, G replaced by T.
Protein change: p.Lys2079Asn; replaces lysine 2079 with asparagine.
Molecular consequence: missense variant. On other transcripts: intron variant (1).
Genome position (GRCh38, 1-based): chr8:60,852,962, G>T. VCF-style: chr8-60852962-G-T. GRCh37 (hg19) VCF-style: chr8-61765521-G-T.
Other names: c.1717-9267G>T (NM_001316690.1); short protein forms K2079N.
Identifiers: ClinVar variation 3359982 (VCV003359982.1).

ClinVar aggregate classification (germline): Uncertain significance (1 of 4 stars; one submission).

gnomAD v4.1: 2 of 1,614,048 alleles (0.00012%); highest among the groups gnomAD compares: Middle Eastern, 0.016%; no homozygotes.

Submission:

GeneDx
Classification: Uncertain significance. Last evaluated: 2023-06-21. Review status: criteria provided, single submitter. Criteria: GeneDx Variant Classification Process June 2021. Collection method: clinical testing. Allele origin: germline. Affected: yes.
Comment: Not observed at significant frequency in large population cohorts (gnomAD); In silico analysis supports that this missense variant has a deleterious effect on protein structure/function; Has not been previously published as pathogenic or benign to our knowledge